The following is an entry in ClinVar:

ClinVar aggregate classification (germline): Uncertain significance. Review status: criteria provided, multiple submitters, no conflicts (2 of 4 stars). 2 submissions from 2 submitters: Uncertain significance (2). Last evaluated 2021-11-22.

Conditions:
Duchenne muscular dystrophy (DMD). Also called: MUSCULAR DYSTROPHY, PSEUDOHYPERTROPHIC PROGRESSIVE, DUCHENNE TYPE; Duchenne Muscular Dystrophy (DMD). Identifiers: Orphanet 98896, MedGen C0013264, MONDO:0010679, OMIM 310200.
Becker muscular dystrophy (BMD). Also called: MUSCULAR DYSTROPHY, PSEUDOHYPERTROPHIC PROGRESSIVE, BECKER TYPE; Becker Muscular Dystrophy (BMD). Identifiers: Orphanet 98895, MedGen C0917713, MONDO:0010311, OMIM 300376.
Dilated cardiomyopathy 3B (CMD3B). Also called: CMD3B: DMD-Related Dilated Cardiomyopathy; CARDIOMYOPATHY, DILATED, X-LINKED; DMD-Associated Dilated Cardiomyopathy. Identifiers: Orphanet 154, MedGen C3668940, MONDO:0010542, OMIM 302045.

Submissions (2):

Fulgent Genetics
Classification: Uncertain significance for Becker muscular dystrophy; Dilated cardiomyopathy 3B; Duchenne muscular dystrophy. Last evaluated: 2021-11-22. Review status: criteria provided, single submitter. Criteria: ACMG Guidelines, 2015. Collection method: clinical testing. Allele origin: unknown.

Labcorp Genetics (formerly Invitae), Labcorp
Classification: Uncertain significance for Duchenne muscular dystrophy. Last evaluated: 2020-03-14. Review status: criteria provided, single submitter. Criteria: Invitae Variant Classification Sherloc (09022015). Collection method: clinical testing. Allele origin: germline.
Comment: This variant is not present in population databases (ExAC no frequency). This sequence change replaces aspartic acid with valine at codon 2505 of the DMD protein (p.Asp2505Val). The aspartic acid residue is highly conserved and there is a large physicochemical difference between aspartic acid and valine. This variant has not been reported in the literature in individuals with DMD-related conditions. In summary, the available evidence is currently insufficient to determine the role of this variant in disease. Therefore, it has been classified as a Variant of Uncertain Significance. Algorithms developed to predict the effect of missense changes on protein structure and function are either unavailable or do not agree on the potential impact of this missense change (SIFT: "Tolerated"; PolyPhen-2: "Possibly Damaging"; Align-GVGD: "Class C0").

NM_004006.3(DMD):c.7514A>T (p.Asp2505Val)

Gene: DMD (dystrophin; minus strand). Cytogenetic location: Xp21.1.
Variant type: single nucleotide variant.
Coding change: c.7514A>T on transcript NM_004006.3 (MANE Select); coding-DNA position 7514, A replaced by T.
Protein change: p.Asp2505Val; replaces aspartic acid 2505 with valine.
Molecular consequence: missense variant.
Genome position (GRCh38, 1-based): chrX:31,773,988, T>A on the plus strand (A>T on the coding strand, the complement: DMD is on the minus strand). VCF-style: chrX-31773988-T-A. GRCh37 (hg19) VCF-style: chrX-31792105-T-A.
Other names: c.7490A>T, p.Asp2497Val (NM_000109.4); c.7502A>T, p.Asp2501Val (NM_004009.3); c.7145A>T, p.Asp2382Val (NM_004010.3); c.3491A>T, p.Asp1164Val (NM_004011.4); c.3482A>T, p.Asp1161Val (NM_004012.4); c.134A>T, p.Asp45Val (NM_004013.3, NM_004020.4, NM_004021.3 and 2 more transcripts); short protein forms D2501V, D1164V, D2382V, D2497V, D1161V, D2505V, D45V.
Identifiers: ClinVar variation 948739 (VCV000948739.11), dbSNP rs2090505173, ClinGen allele CA412658705.